The following is an entry in ClinVar:

NM_033056.4(PCDH15):c.5269T>C (p.Ser1757Pro)

Gene: PCDH15 (protocadherin related 15; minus strand). Cytogenetic location: 10q21.1.
Variant type: single nucleotide variant.
Coding change: c.5269T>C on transcript NM_033056.4 (MANE Plus Clinical); coding-DNA position 5269, T replaced by C.
Protein change: p.Ser1757Pro; replaces serine 1757 with proline.
Molecular consequence: missense variant. On other transcripts: intron variant (8).
Genome position (GRCh38, 1-based): chr10:53,822,457, A>G on the plus strand (T>C on the coding strand, the complement: PCDH15 is on the minus strand). VCF-style: chr10-53822457-A-G. GRCh37 (hg19) VCF-style: chr10-55582217-A-G.
Other names: c.5290T>C, p.Ser1764Pro (NM_001142763.2); c.5275T>C, p.Ser1759Pro (NM_001142764.2); c.5062T>C, p.Ser1688Pro (NM_001142765.2); c.5260T>C, p.Ser1754Pro (NM_001142766.2); c.5149T>C, p.Ser1717Pro (NM_001142767.2); c.5209T>C, p.Ser1737Pro (NM_001142768.2); c.5200T>C, p.Ser1734Pro (NM_001142773.2); c.5203T>C, p.Ser1735Pro (NM_001354404.2); and 7 more; short protein forms S1734P, S1737P, S1757P, S1735P, S1754P, S1759P, S1764P, S1688P.
Identifiers: ClinVar variation 1354816 (VCV001354816.5), dbSNP rs542243503, ClinGen allele CA376525265.

ClinVar aggregate classification (germline): Uncertain significance (1 of 4 stars; one submission).

Allele frequency attached by ClinVar (database versions not stated): gnomAD 0.00001; gnomAD exomes 0.00001.
gnomAD v4.1: 9 of 1,599,846 alleles (0.00056%); highest among the groups gnomAD compares: East Asian, 0.0069%; no homozygotes.

Submission:

Labcorp Genetics (formerly Invitae), Labcorp
Classification: Uncertain significance. Last evaluated: 2022-07-18. Review status: criteria provided, single submitter. Criteria: Invitae Variant Classification Sherloc (09022015). Collection method: clinical testing. Allele origin: germline.
Comment: This sequence change replaces serine, which is neutral and polar, with proline, which is neutral and non-polar, at codon 1757 of the PCDH15 protein (p.Ser1757Pro). The frequency data for this variant in the population databases is considered unreliable, as metrics indicate poor data quality at this position in the gnomAD database. This variant has not been reported in the literature in individuals affected with PCDH15-related conditions. ClinVar contains an entry for this variant (Variation ID: 1354816). Algorithms developed to predict the effect of missense changes on protein structure and function output the following: SIFT: "Tolerated"; PolyPhen-2: "Not Available"; Align-GVGD: "Class C0". The proline amino acid residue is found in multiple mammalian species, which suggests that this missense change does not adversely affect protein function. In summary, the available evidence is currently insufficient to determine the role of this variant in disease. Therefore, it has been classified as a Variant of Uncertain Significance.